The following is an entry in ClinVar:

ClinVar aggregate classification (germline): Conflicting classifications of pathogenicity. Review status: criteria provided, conflicting classifications (1 of 4 stars). 6 submissions from 5 submitters: Uncertain significance (3); Benign (2); Likely benign (1). Last evaluated 2026-05-13.

Conditions:
Cardiovascular phenotype. Identifiers: MedGen CN230736.
Hereditary cancer-predisposing syndrome. Also called: Hereditary neoplastic syndrome; Neoplastic Syndromes, Hereditary; Hereditary Cancer Syndrome; Tumor predisposition. Identifiers: Orphanet 140162, MedGen C0027672, MeSH D009386, MONDO:0015356.
Neurofibromatosis, type 1 (NF1). Also called: NEUROFIBROMATOSIS, TYPE I, SOMATIC; Neurofibromatosis, type I; VON RECKLINGHAUSEN DISEASE; Peripheral type neurofibromatosis. Identifiers: Orphanet 636, MedGen C0027831, MONDO:0018975, OMIM 162200. Disease mechanism: loss of function.

Allele frequency attached by ClinVar (database versions not stated): gnomAD exomes 0.00005 and 0.00003; gnomAD below 0.00001 and 0.00003; ExAC 0.00006; TOPMed 0.00001.
gnomAD v4.1: 48 of 1,613,864 alleles (0.003%); highest among the groups gnomAD compares: South Asian, 0.042%; 2 homozygotes.

Submissions (6):

Myriad Genetics, Inc.
Classification: Likely benign for Neurofibromatosis, type 1. Last evaluated: 2026-05-13. Review status: criteria provided, single submitter. Criteria: Myriad Autosomal Dominant, Autosomal Recessive and X-Linked Classification Criteria (2023). Collection method: clinical testing. Allele origin: unknown.
Comment: This variant is considered likely benign. This variant has been observed at a population frequency that is significantly greater than expected given the associated disease prevalence and penetrance.

Labcorp Genetics (formerly Invitae), Labcorp
Classification: Benign for Neurofibromatosis, type 1. Last evaluated: 2025-12-29. Review status: criteria provided, single submitter. Criteria: Invitae Variant Classification Sherloc (09022015). Collection method: clinical testing. Allele origin: germline.

Genome-Nilou Lab
Classification: Uncertain significance for Neurofibromatosis, type 1. Last evaluated: 2022-03-15. Review status: criteria provided, single submitter. Criteria: ACMG Guidelines, 2015. Collection method: clinical testing. Allele origin: germline. Affected: no.

GeneDx
Classification: Uncertain significance. Last evaluated: 2022-02-15. Review status: criteria provided, single submitter. Criteria: GeneDx Variant Classification Process June 2021. Collection method: clinical testing. Allele origin: germline. Affected: yes.
Comment: Has not been previously published as pathogenic or benign to our knowledge; In silico analysis supports that this missense variant has a deleterious effect on protein structure/function

Ambry Genetics
Classification: Benign for Cardiovascular phenotype; Hereditary cancer-predisposing syndrome. Last evaluated: 2021-05-28. Review status: criteria provided, single submitter. Criteria: Ambry Variant Classification Scheme 2023. Collection method: clinical testing. Allele origin: germline.

Ambry Genetics
Classification: Uncertain significance for Hereditary cancer-predisposing syndrome. Last evaluated: 2015-06-02. Review status: criteria provided, single submitter. Criteria: Ambry Autosomal Dominant and X-Linked criteria (10/2015). Collection method: clinical testing. Allele origin: germline. Observed: 1 variant allele.
Comment: The p.H2261Y variant (also known as c.6781C>T), located in coding exon 45 of the NF1 gene, results from a C to T substitution at nucleotide position 6781. The histidine at codon 2261 is replaced by tyrosine, an amino acid with similar properties. This variant was not reported in population based cohorts in the following databases: Database of Single Nucleotide Polymorphisms (dbSNP), NHLBI Exome Sequencing Project (ESP), and 1000 Genomes Project. In the ESP, this variant was not observed in 6503 samples (13006 alleles) with coverage at this position. <span style="font-family:arial,sans-serif; font-size:9pt">To date, this alteration has been detected with an allele frequency of approximately 0.002% (greater than 55000alleles tested) in our clinical cohort. Based on protein <span style="font-family:arial,sans-serif; font-size:9pt">sequence alignment, thisamino acid position is highly conserved in available vertebrate species. In addition, the in silico prediction for this alteration is inconclusive.Since supporting evidence is limited at this time, the clinical significance of p.H2261Yremains unclear.

NM_001042492.3(NF1):c.6781C>T (p.His2261Tyr)

Gene: NF1 (neurofibromin 1; plus strand). Cytogenetic location: 17q11.2.
Variant type: single nucleotide variant.
Coding change: c.6781C>T on transcript NM_001042492.3 (MANE Select); coding-DNA position 6781, C replaced by T.
Protein change: p.His2261Tyr; replaces histidine 2261 with tyrosine.
Molecular consequence: missense variant.
Genome position (GRCh38, 1-based): chr17:31,338,101, C>T. VCF-style: chr17-31338101-C-T. GRCh37 (hg19) VCF-style: chr17-29665119-C-T.
Other names: c.6718C>T, p.His2240Tyr (NM_000267.4); short protein forms H2240Y, H2261Y.
Identifiers: ClinVar variation 232006 (VCV000232006.17), dbSNP rs750869272, ClinGen allele CA8487425.